The following is an entry in ClinVar:

NM_000016.6(ACADM):c.200A>G (p.Tyr67Cys)

Gene: ACADM (acyl-CoA dehydrogenase medium chain; plus strand). Cytogenetic location: 1p31.1.
Variant type: single nucleotide variant.
Coding change: c.200A>G on transcript NM_000016.6 (MANE Select); coding-DNA position 200, A replaced by G.
Protein change: p.Tyr67Cys; replaces tyrosine 67 with cysteine.
Molecular consequence: missense variant. On other transcripts: 5 prime UTR variant (1).
Genome position (GRCh38, 1-based): chr1:75,732,725, A>G. VCF-style: chr1-75732725-A-G. GRCh37 (hg19) VCF-style: chr1-76198410-A-G.
Other names: c.212A>G, p.Tyr71Cys (NM_001127328.3); c.92A>G, p.Tyr31Cys (NM_001286042.2); c.200A>G, p.Tyr67Cys (NM_001286043.2); c.-186A>G (NM_001286044.2); c.200A>G (NM_000016.5); short protein forms Y67C, Y71C, Y31C.
Identifiers: ClinVar variation 4817899 (VCV004817899.1), dbSNP rs796051897.
Genomic context (GRCh38, chr1:75,732,725, plus strand): 5'-AATTTCAAGCTACTGCTCGTAAATTTGCCAGAGAGGAAATCATCCCAGTGGCTGCAGAAT[A>G]TGATAAAACTGGTGAAGTAGGTATATACATTTTAAAGAGGGAAAAATCTTTTACATTTTT-3'
Protein context (NP_000007.1, residues 57-77): REEIIPVAAE[Tyr67Cys]DKTGEYPVPL

ClinVar aggregate classification (germline): Likely pathogenic (1 of 4 stars; one submission).

Conditions:
Medium-chain acyl-coenzyme A dehydrogenase deficiency (ACADMD). Also called: ACADM DEFICIENCY; CARNITINE DEFICIENCY SECONDARY TO MEDIUM-CHAIN ACYL-CoA DEHYDROGENASE DEFICIENCY; Medium chain acyl-CoA dehydrogenase deficiency; MCADH DEFICIENCY; MCADD; MCAD Deficiency. Identifiers: Orphanet 42, MedGen C0220710, MONDO:0008721, OMIM 201450.

gnomAD v4.1: 2 of 1,613,806 alleles (0.00012%); highest among the groups gnomAD compares: Non-Finnish European, 0.00017%; no homozygotes.

Submission:

Natera, Inc.
Classification: Likely pathogenic for Medium Chain Acyl-CoA Dehydrogenase Deficiency. Last evaluated: 2025-06-04. Review status: criteria provided, single submitter. Criteria: Natera Variant Classification Schema (03/2026). Collection method: clinical testing. Allele origin: germline.
Comment: The c.200A>G variant in ACADM is a missense variant predicted to cause substitution of tyrosine to cysteine at amino acid 67. This variant is rare in the general population with a frequency below the threshold expected for the associated phenotype(s). This variant has been observed in one or more individuals affected with the associated recessive disease, as either homozygous or compound heterozygous with a second variant (PMID: 33580884). A different variant at the same position has been determined to be Pathogenic or Likely Pathogenic. Computational prediction algorithms indicate this variant is likely to affect gene or protein function. Given the available evidence, this variant is classified as Likely Pathogenic.

Literature cited by the submitters: PubMed 33580884.